The following is an entry in ClinVar:

NM_001330260.2(SCN8A):c.3008G>A (p.Arg1003His)

Gene: SCN8A (sodium voltage-gated channel alpha subunit 8; plus strand). Cytogenetic location: 12q13.13.
Variant type: single nucleotide variant.
Coding change: c.3008G>A on transcript NM_001330260.2 (MANE Select); coding-DNA position 3008, G replaced by A.
Protein change: p.Arg1003His; replaces arginine 1003 with histidine.
Molecular consequence: missense variant.
Genome position (GRCh38, 1-based): chr12:51,768,971, G>A. VCF-style: chr12-51768971-G-A. GRCh37 (hg19) VCF-style: chr12-52162755-G-A.
Other names: c.3008G>A, p.Arg1003His (NM_001177984.3, NM_001369788.1, NM_014191.4); short protein forms R1003H.
Identifiers: ClinVar variation 406258 (VCV000406258.9), dbSNP rs752402332, ClinGen allele CA6571535.
Genomic context (GRCh38, chr12:51,768,971, plus strand): 5'-ACAACCTGGCTGCCACAGATGACGATGGGGAAATGAACAACCTCCAGATCTCAGTGATCC[G>A]TATCAAGAAGGGTGTGGCCTGGACCAAACTAAAGGTGCACGCCTTCATGCAGGCCCACTT-3'
Protein context (NP_001317189.1, residues 993-1013): EMNNLQISVI[Arg1003His]IKKGVAWTKL

ClinVar aggregate classification (germline): Uncertain significance (1 of 4 stars; one submission).

Conditions:
Early-infantile DEE. Also called: Early infantile epileptic encephalopathy; Early infantile epileptic encephalopathy with suppression bursts; Ohtahara syndrome. Identifiers: Orphanet 1934, MedGen C0393706, MONDO:0800491.

Allele frequency attached by ClinVar (database versions not stated): ExAC 0.00001; gnomAD 0.00001; gnomAD exomes below 0.00001; TOPMed below 0.00001.
gnomAD v4.1: 4 of 1,613,602 alleles (0.00025%); highest among the groups gnomAD compares: South Asian, 0.0011%; no homozygotes.

Submission:

Labcorp Genetics (formerly Invitae), Labcorp
Classification: Uncertain significance for Early-infantile DEE. Last evaluated: 2025-01-22. Review status: criteria provided, single submitter. Criteria: Invitae Variant Classification Sherloc (09022015). Collection method: clinical testing. Allele origin: germline.
Comment: This sequence change replaces arginine, which is basic and polar, with histidine, which is basic and polar, at codon 1003 of the SCN8A protein (p.Arg1003His). The frequency data for this variant in the population databases is considered unreliable, as metrics indicate poor data quality at this position in the gnomAD database. This variant has not been reported in the literature in individuals affected with SCN8A-related conditions. ClinVar contains an entry for this variant (Variation ID: 406258). Invitae Evidence Modeling of protein sequence and biophysical properties (such as structural, functional, and spatial information, amino acid conservation, physicochemical variation, residue mobility, and thermodynamic stability) indicates that this missense variant is expected to disrupt SCN8A protein function with a positive predictive value of 95%. In summary, the available evidence is currently insufficient to determine the role of this variant in disease. Therefore, it has been classified as a Variant of Uncertain Significance.